The following is an entry in ClinVar:

ClinVar aggregate classification (somatic clinical impact): Tier I - Strong (1 of 4 stars; one submission).

Conditions:
Pheochromocytoma. Also called: MAX-Related Hereditary Paraganglioma-Pheochromocytoma Syndrome. Identifiers: Orphanet 29072, MedGen C0031511, MONDO:0008233, OMIM 171300, HP:0002666.

Submission:

Institute for Genomic Medicine (IGM) Clinical Laboratory, Nationwide Children's Hospital
Classification: Tier I - Strong for Pheochromocytoma. Assertion type: diagnostic. Clinical significance: supports diagnosis. Last evaluated: 2024-09-10. Review status: criteria provided, single submitter. Criteria: AMP/ASCO/CAP Guidelines, 2017. Collection method: clinical testing. Allele origin: somatic. Affected: yes.
Comment: Variant has Tier I (strong) clinical significance as a diagnostic inclusion criterion in pheochromocytoma, based on the following evidence: 1) Appears in one or more well-established professional guidelines (e.g., World Health Organization [WHO]; National Comprehensive Cancer Network [NCCN]) as providing diagnostic, prognostic, or therapeutic information (PMIDs: 21784903, 25545346, 28162975, 29413423, 3362715). 2) Information in the literature supports potential biologic effect of variant (PMIDs: 27530247, 33329393). 3) Diagnostic for a specific tumor type/classification based on well-powered studies with expert-level consensus (Evidence Level B; PMIDs: 21784903, 25545346, 28162975, 29413423, 33362715).

Literature cited by the submitters: PubMed 21784903; PubMed 25545346; PubMed 28162975; PubMed 29413423; PubMed 3362715; PubMed 27530247; PubMed 33329393; PubMed 33362715.

NM_000551.4(VHL):c.260T>A (p.Val87Glu)

Gene: VHL (von Hippel-Lindau tumor suppressor; plus strand). Cytogenetic location: 3p25.3.
Variant type: single nucleotide variant.
Coding change: c.260T>A on transcript NM_000551.4 (MANE Select); coding-DNA position 260, T replaced by A.
Protein change: p.Val87Glu; replaces valine 87 with glutamic acid.
Molecular consequence: missense variant. On other transcripts: non-coding transcript variant (1).
Genome position (GRCh38, 1-based): chr3:10,142,107, T>A. VCF-style: chr3-10142107-T-A. GRCh37 (hg19) VCF-style: chr3-10183791-T-A.
Other names: c.260T>A, p.Val87Glu (NM_001354723.2, NM_198156.3); short protein forms V87E.
Identifiers: ClinVar variation 4530319 (VCV004530319.1).